The following is an entry in ClinVar:

NM_024740.2(ALG9):c.684A>G (p.Pro228=)

Gene: ALG9 (ALG9 alpha-1,2-mannosyltransferase; minus strand). Cytogenetic location: 11q23.1.
Variant type: single nucleotide variant.
Coding change: c.684A>G on transcript NM_024740.2 (MANE Select); coding-DNA position 684, A replaced by G.
Protein change: p.Pro228=; no amino-acid change (proline 228 retained).
Molecular consequence: synonymous variant. On other transcripts: non-coding transcript variant (1).
Genome position (GRCh38, 1-based): chr11:111,857,619, T>C on the plus strand (A>G on the coding strand, the complement: ALG9 is on the minus strand). VCF-style: chr11-111857619-T-C. GRCh37 (hg19) VCF-style: chr11-111728342-T-C.
Other names: c.684A>G, p.Pro228= (NM_001077690.1, NM_001352417.1, NM_001352418.1); c.171A>G, p.Pro57= (NM_001077691.2, NM_001077692.2, NM_001352409.1 and 11 more transcripts); c.96A>G, p.Pro32= (NM_001352422.2).
Identifiers: ClinVar variation 2642367 (VCV002642367.24), dbSNP rs2497397781, ClinGen allele CA476783432.

ClinVar aggregate classification (germline): Likely benign (1 of 4 stars; one submission).

Submission:

CeGaT Center for Human Genetics Tuebingen
Classification: Likely benign. Last evaluated: 2022-06-01. Review status: criteria provided, single submitter. Criteria: CeGaT Center For Human Genetics Tuebingen Variant Classification Criteria Version 2. Collection method: clinical testing. Allele origin: germline. Affected: yes. Observed: 1 variant allele.
Comment: ALG9: PM2:Supporting, BP4, BP7